The following is an entry in ClinVar:

ClinVar aggregate classification (germline): Uncertain significance (1 of 4 stars; one submission).

Conditions:
Neurofibromatosis, type 1 (NF1). Also called: VON RECKLINGHAUSEN DISEASE; Neurofibromatosis, type I; NEUROFIBROMATOSIS, TYPE I, SOMATIC; Peripheral type neurofibromatosis. Identifiers: Orphanet 636, MedGen C0027831, MONDO:0018975, OMIM 162200. Disease mechanism: loss of function.

Submission:

Labcorp Genetics (formerly Invitae), Labcorp
Classification: Uncertain significance for Neurofibromatosis, type 1. Last evaluated: 2023-10-25. Review status: criteria provided, single submitter. Criteria: Invitae Variant Classification Sherloc (09022015). Collection method: clinical testing. Allele origin: germline.
Comment: This sequence change replaces lysine, which is basic and polar, with arginine, which is basic and polar, at codon 1062 of the NF1 protein (p.Lys1062Arg). This variant is not present in population databases (gnomAD no frequency). This variant has not been reported in the literature in individuals affected with NF1-related conditions. Advanced modeling of protein sequence and biophysical properties (such as structural, functional, and spatial information, amino acid conservation, physicochemical variation, residue mobility, and thermodynamic stability) has been performed at Invitae for this missense variant, however the output from this modeling did not meet the statistical confidence thresholds required to predict the impact of this variant on NF1 protein function. In summary, the available evidence is currently insufficient to determine the role of this variant in disease. Therefore, it has been classified as a Variant of Uncertain Significance.

NM_001042492.3(NF1):c.3185A>G (p.Lys1062Arg)

Gene: NF1 (neurofibromin 1; plus strand). Cytogenetic location: 17q11.2.
Variant type: single nucleotide variant.
Coding change: c.3185A>G on transcript NM_001042492.3 (MANE Select); coding-DNA position 3185, A replaced by G.
Protein change: p.Lys1062Arg; replaces lysine 1062 with arginine.
Molecular consequence: missense variant.
Genome position (GRCh38, 1-based): chr17:31,230,913, A>G. VCF-style: chr17-31230913-A-G. GRCh37 (hg19) VCF-style: chr17-29557931-A-G.
Other names: c.3185A>G, p.Lys1062Arg (NM_000267.4); short protein forms K1062R.
Identifiers: ClinVar variation 2771693 (VCV002771693.3), dbSNP rs1314168961, ClinGen allele CA398988257.